The following is an entry in ClinVar:

NM_001252102.2(KIF21B):c.812T>C (p.Phe271Ser)

Gene: KIF21B (kinesin family member 21B; minus strand). Cytogenetic location: 1q32.1.
Variant type: single nucleotide variant.
Coding change: c.812T>C on transcript NM_001252102.2 (MANE Select); coding-DNA position 812, T replaced by C.
Protein change: p.Phe271Ser; replaces phenylalanine 271 with serine.
Molecular consequence: missense variant.
Genome position (GRCh38, 1-based): chr1:201,004,854, A>G on the plus strand (T>C on the coding strand, the complement: KIF21B is on the minus strand). VCF-style: chr1-201004854-A-G. GRCh37 (hg19) VCF-style: chr1-200973982-A-G.
Other names: c.812T>C, p.Phe271Ser (NM_001252100.2, NM_001252103.2, NM_017596.4); short protein forms F271S.
Identifiers: ClinVar variation 1723036 (VCV001723036.2), dbSNP rs2465226864, ClinGen allele CA344112219.

ClinVar aggregate classification (germline): Uncertain significance (1 of 4 stars; one submission).

Submission:

GeneDx
Classification: Uncertain significance. Last evaluated: 2022-05-04. Review status: criteria provided, single submitter. Criteria: GeneDx Variant Classification Process June 2021. Collection method: clinical testing. Allele origin: germline. Affected: yes.
Comment: Not observed at significant frequency in large population cohorts (gnomAD); In silico analysis supports that this missense variant has a deleterious effect on protein structure/function; Has not been previously published as pathogenic or benign to our knowledge